The following is an entry in ClinVar:

ClinVar aggregate classification (germline): Uncertain significance (1 of 4 stars; one submission).

gnomAD v4.1: 20 of 1,581,640 alleles (0.0013%); highest among the groups gnomAD compares: Middle Eastern, 0.017%; no homozygotes.

Submission:

Labcorp Genetics (formerly Invitae), Labcorp
Classification: Uncertain significance. Last evaluated: 2024-09-30. Review status: criteria provided, single submitter. Criteria: Invitae Variant Classification Sherloc (09022015). Collection method: clinical testing. Allele origin: germline.
Comment: This sequence change affects codon 212 of the RORB mRNA. It is a 'silent' change, meaning that it does not change the encoded amino acid sequence of the RORB protein. It affects a nucleotide within the consensus splice site. This variant is not present in population databases (gnomAD no frequency). This variant has not been reported in the literature in individuals affected with RORB-related conditions. ClinVar contains an entry for this variant (Variation ID: 1433275). Algorithms developed to predict the effect of sequence changes on RNA splicing suggest that this variant is not likely to affect RNA splicing. In summary, the available evidence is currently insufficient to determine the role of this variant in disease. Therefore, it has been classified as a Variant of Uncertain Significance.

NM_006914.4(RORB):c.636C>A (p.Ile212=)

Gene: RORB (RAR related orphan receptor B; plus strand). Cytogenetic location: 9q21.13.
Variant type: single nucleotide variant.
Coding change: c.636C>A on transcript NM_006914.4 (MANE Select); coding-DNA position 636, C replaced by A.
Protein change: p.Ile212=; no amino-acid change (isoleucine 212 retained).
Molecular consequence: synonymous variant.
Genome position (GRCh38, 1-based): chr9:74,642,814, C>A. VCF-style: chr9-74642814-C-A. GRCh37 (hg19) VCF-style: chr9-77257730-C-A.
Other names: c.669C>A, p.Ile223= (NM_001365023.1).
Identifiers: ClinVar variation 1433275 (VCV001433275.8), dbSNP rs267602266, ClinGen allele CA193859318.
Genomic context (GRCh38, chr9:74,642,814, plus strand): 5'-GTTTACCTATAGCTCTTTCAACAATGGGCAGTTAGCACCAGGGATAACCATGACTGAAAT[C>A]GGTAAGTGGAAGTCTCCTCCCAGTGGCTTTTTTTGAGATTTTGCTTTGAATTTACCTTGG-3'
Protein context (NP_008845.2, residues 202-222): QLAPGITMTE[Ile212=]DRIAQNIIKS